The following is an entry in ClinVar:

ClinVar aggregate classification (germline): Likely pathogenic (1 of 4 stars; one submission).

Conditions:
Inborn genetic diseases. Identifiers: MedGen C0950123, MeSH D030342.

Submission:

Ambry Genetics
Classification: Likely pathogenic for Inborn genetic diseases. Last evaluated: 2026-06-12. Review status: criteria provided, single submitter. Criteria: Ambry Variant Classification Scheme 2023. Collection method: clinical testing. Allele origin: germline.
Comment: The c.590A>T (p.H197L) alteration is located in exon 4 (coding exon 4) of the TUBA1A gene. This alteration results from a A to T substitution at nucleotide position 590, causing the histidine (H) at amino acid position 197 to be replaced by a leucine (L). This variant was not reported in population-based cohorts in the Genome Aggregation Database (gnomAD). This variant was reported as a de novo occurrence in an individual with abnormal cortical gyration, agenesis of corpus callosum, cerebellar hypoplasia, large basal ganglia, microcephaly, plagiocephaly, scoliosis, seizure, and visual impairment (DECIPHER). This amino acid position is highly conserved in available vertebrate species. This missense variant is located in a region that has a low rate of benign missense variation (Lek, 2016; Firth, 2009). This alteration is predicted to be deleterious by in silico analysis. Based on the available evidence, this alteration is classified as likely pathogenic.

NM_006009.4(TUBA1A):c.590A>T (p.His197Leu)

Gene: TUBA1A (tubulin alpha 1a; minus strand). Cytogenetic location: 12q13.12.
Variant type: single nucleotide variant.
Coding change: c.590A>T on transcript NM_006009.4 (MANE Select); coding-DNA position 590, A replaced by T.
Protein change: p.His197Leu; replaces histidine 197 with leucine.
Molecular consequence: missense variant.
Genome position (GRCh38, 1-based): chr12:49,185,776, T>A on the plus strand (A>T on the coding strand, the complement: TUBA1A is on the minus strand). VCF-style: chr12-49185776-T-A. GRCh37 (hg19) VCF-style: chr12-49579559-T-A.
Other names: c.590A>T, p.His197Leu (NM_001270399.2); c.485A>T, p.His162Leu (NM_001270400.2); short protein forms H162L, H197L.
Identifiers: ClinVar variation 4866258 (VCV004866258.1).